The following is an entry in ClinVar:

NM_000094.4(COL7A1):c.2440+4T>C

Gene: COL7A1 (collagen type VII alpha 1 chain; minus strand). Cytogenetic location: 3p21.31.
Variant type: single nucleotide variant.
Coding change: c.2440+4T>C on transcript NM_000094.4 (MANE Select); 4 bases into the intron after coding-DNA position 2440, T replaced by C.
Molecular consequence: intron variant.
Genome position (GRCh38, 1-based): chr3:48,588,866, A>G on the plus strand (T>C on the coding strand, the complement: COL7A1 is on the minus strand). VCF-style: chr3-48588866-A-G. GRCh37 (hg19) VCF-style: chr3-48626299-A-G.
Identifiers: ClinVar variation 3653212 (VCV003653212.2).

ClinVar aggregate classification (germline): Uncertain significance (1 of 4 stars; one submission).

Submission:

Labcorp Genetics (formerly Invitae), Labcorp
Classification: Uncertain significance. Last evaluated: 2024-05-13. Review status: criteria provided, single submitter. Criteria: Invitae Variant Classification Sherloc (09022015). Collection method: clinical testing. Allele origin: germline.
Comment: This sequence change falls in intron 18 of the COL7A1 gene. It does not directly change the encoded amino acid sequence of the COL7A1 protein. It affects a nucleotide within the consensus splice site. This variant is not present in population databases (gnomAD no frequency). This variant has not been reported in the literature in individuals affected with COL7A1-related conditions. Variants that disrupt the consensus splice site are a relatively common cause of aberrant splicing (PMID: 17576681, 9536098). Algorithms developed to predict the effect of sequence changes on RNA splicing suggest that this variant is not likely to affect RNA splicing. In summary, the available evidence is currently insufficient to determine the role of this variant in disease. Therefore, it has been classified as a Variant of Uncertain Significance.

Literature cited by the submitters: PubMed 17576681; PubMed 9536098.